The following is an entry in ClinVar:

NM_015450.3(POT1):c.1781_1782del (p.Gly594fs)

Gene: POT1 (protection of telomeres 1; minus strand). Cytogenetic location: 7q31.33.
Variant type: Deletion.
Coding change: c.1781_1782del on transcript NM_015450.3 (MANE Select); coding-DNA positions 1781 to 1782, 2 bases deleted (GA; older notation c.1781_1782delGA).
Protein change: p.Gly594fs; shifts the reading frame from glycine 594.
Molecular consequence: frameshift variant. On other transcripts: non-coding transcript variant (3).
Genome position (GRCh38, 1-based): chr7:124,825,262-124,825,263, TC deleted on the plus strand (GA on the coding strand, the reverse complement: POT1 is on the minus strand). VCF-style (leftmost placement, unchanged base first): chr7-124825261-TTC-T. GRCh37 (hg19) VCF-style: chr7-124465315-TTC-T.
Other names: c.1781_1782del (NM_015450.2); c.1388_1389del, p.Gly463fs (NM_001042594.2); short protein forms G463fs, G594fs.
Identifiers: ClinVar variation 650229 (VCV000650229.15), dbSNP rs1562972380, ClinGen allele CA915945491.

ClinVar aggregate classification (germline): Conflicting classifications of pathogenicity. Review status: criteria provided, conflicting classifications (1 of 4 stars). 5 submissions from 5 submitters: Likely pathogenic (1); Uncertain significance (4). Last evaluated 2026-01-04.

Conditions:
Hereditary cancer-predisposing syndrome. Also called: Hereditary Cancer Syndrome; Hereditary neoplastic syndrome; Tumor predisposition; Neoplastic Syndromes, Hereditary. Identifiers: Orphanet 140162, MedGen C0027672, MeSH D009386, MONDO:0015356.
Tumor predisposition syndrome 3 (TPDS3). Also called: Glioma susceptibility 9; LONG TELOMERE SYNDROME, POT1-RELATED; POT1 Tumor Predisposition; Melanoma, cutaneous malignant, susceptibility to, 10. Identifiers: Orphanet 618, MedGen C4014476, MONDO:0014368, OMIM 615848.

Allele frequency attached by ClinVar (database versions not stated): gnomAD exomes below 0.00001; TOPMed below 0.00001.

Submissions (5):

Labcorp Genetics (formerly Invitae), Labcorp
Classification: Uncertain significance for Tumor predisposition syndrome 3. Last evaluated: 2026-01-04. Review status: criteria provided, single submitter. Criteria: Invitae Variant Classification Sherloc (09022015). Collection method: clinical testing. Allele origin: germline.
Comment: This sequence change creates a premature translational stop signal (p.Gly594Aspfs*4) in the POT1 gene. While this is not anticipated to result in nonsense mediated decay, it is expected to disrupt the last 41 amino acid(s) of the POT1 protein. This variant is not present in population databases (gnomAD no frequency). This variant has not been reported in the literature in individuals affected with POT1-related conditions. ClinVar contains an entry for this variant (Variation ID: 650229). Experimental studies and prediction algorithms are not available or were not evaluated, and the functional significance of this variant is currently unknown. This variant disrupts the C-terminus of the POT1 protein. Other variant(s) that disrupt this region (p.Asp617Glufs*9 ) have been observed in individuals with POT1-related conditions (PMID: 25482530). This suggests that this may be a clinically significant region of the protein. In summary, the available evidence is currently insufficient to determine the role of this variant in disease. Therefore, it has been classified as a Variant of Uncertain Significance.

Dasa
Classification: Uncertain significance. Last evaluated: 2025-10-10. Review status: criteria provided, single submitter. Criteria: DASA Assertion Criteria. Collection method: clinical testing. Allele origin: germline.
Comment: NM_015450.3(POT1):c.1781_1782del (p.Gly594Aspfs*4) is a frameshift variant in POT1 predicted to alter the reading frame and introduce a premature termination codon and is predicted to result in an absent or altered protein product. This variant is rare in population databases. The currently available literature and clinical evidence are not sufficient to establish a definitive association between this variant and the reported condition. Therefore, this variant is classified as a variant of uncertain significance.

Ambry Genetics
Classification: Uncertain significance for Hereditary cancer-predisposing syndrome. Last evaluated: 2023-11-14. Review status: criteria provided, single submitter. Criteria: Ambry Variant Classification Scheme 2023. Collection method: clinical testing. Allele origin: germline.
Comment: The c.1781_1782delGA variant, located in coding exon 14 of the POT1 gene, results from a deletion of two nucleotides at nucleotide positions 1781 to 1782, causing a translational frameshift with a predicted alternate stop codon (p.G594Dfs*4). This alteration occurs at the 3' terminus of thePOT1 gene, is not expected to trigger nonsense-mediated mRNAdecay, and only impacts the last 40 amino acids of the protein. The exact functional effect of this alteration is unknown. Since supporting evidence is limited at this time, the clinical significance of this alteration remains unclear.

Mendelics
Classification: Uncertain significance. Last evaluated: 2022-05-04. Review status: criteria provided, single submitter. Criteria: Mendelics Assertion Criteria 2019. Collection method: clinical testing. Allele origin: germline.

Sema4
Classification: Likely pathogenic for Hereditary cancer-predisposing syndrome. Last evaluated: 2021-02-09. Review status: criteria provided, single submitter. Criteria: Sema4 Curation Guidelines. Collection method: curation. Allele origin: germline.
Comment: To the best of our knowledge, the POT1 c.1781_1782delGA (p.G594DfsX4) variant has not been reported in individuals with POT1-related disease. As this variant is not predicted to cause nonsense-mediated decay, the protein product is expected to be truncated. Structural analysis demonstrated that the C-terminal of POT1 is essential for protein-protein interaction (PMID: 28393832). This variant was observed in 1/112398 chromosomes in the Non-Finnish European population, according to the Genome Aggregation Database (PMID: 32461654). Based on the current evidence available, this variant is interpreted as likely pathogenic.

Literature cited by the submitters: PubMed 25482530 (cited by Labcorp Genetics (formerly Invitae), Labcorp); PubMed 28393832 (cited by Sema4).